The following is an entry in ClinVar:

ClinVar aggregate classification (germline): Uncertain significance (1 of 4 stars; one submission).

Conditions:
Rhabdoid tumor predisposition syndrome 2 (RTPS2). Identifiers: Orphanet 231108, Orphanet 69077, MedGen C2750074, MONDO:0013224, OMIM 613325.

Submission:

Labcorp Genetics (formerly Invitae), Labcorp
Classification: Uncertain significance for Rhabdoid tumor predisposition syndrome 2. Last evaluated: 2020-04-18. Review status: criteria provided, single submitter. Criteria: Invitae Variant Classification Sherloc (09022015). Collection method: clinical testing. Allele origin: germline.
Comment: This sequence change replaces arginine with serine at codon 251 of the SMARCA4 protein (p.Arg251Ser). The arginine residue is highly conserved and there is a moderate physicochemical difference between arginine and serine. The frequency data for this variant in the population databases is considered unreliable, as metrics indicate insufficient coverage at this position in the ExAC database. This variant has not been reported in the literature in individuals with SMARCA4-related conditions. Algorithms developed to predict the effect of missense changes on protein structure and function (SIFT, PolyPhen-2, Align-GVGD) all suggest that this variant is likely to be disruptive, but these predictions have not been confirmed by published functional studies and their clinical significance is uncertain. In summary, the available evidence is currently insufficient to determine the role of this variant in disease. Therefore, it has been classified as a Variant of Uncertain Significance.

NM_003072.5(SMARCA4):c.753G>T (p.Arg251Ser)

Gene: SMARCA4 (SWI/SNF related BAF chromatin remodeling complex subunit ATPase 4; plus strand). Cytogenetic location: 19p13.2.
Variant type: single nucleotide variant.
Coding change: c.753G>T on transcript NM_003072.5 (MANE Select); coding-DNA position 753, G replaced by T.
Protein change: p.Arg251Ser; replaces arginine 251 with serine.
Molecular consequence: missense variant. On other transcripts: non-coding transcript variant (1).
Genome position (GRCh38, 1-based): chr19:10,986,586, G>T. VCF-style: chr19-10986586-G-T. GRCh37 (hg19) VCF-style: chr19-11097262-G-T.
Other names: c.753G>T, p.Arg251Ser (NM_001128844.3, NM_001128845.2, NM_001128846.2 and 5 more transcripts); short protein forms R251S.
Identifiers: ClinVar variation 1062072 (VCV001062072.9), dbSNP rs2145786174, ClinGen allele CA404057317.
Genomic context (GRCh38, chr19:10,986,586, plus strand): 5'-CCCTGGCCCTGGCCCTGGCCCCGGCCCGGGTCCCGGCCCGGCACCTCCAAATTACAGCAG[G>T]CCTCATGGTAAGACTGGCTGCCCTGGCCCTCAGGTGTCTCAGAGCGAATGGCTGGGGCGT-3'
Protein context (NP_003063.2, residues 241-261): GPGPAPPNYS[Arg251Ser]PHGMGGPNMP